The following is an entry in ClinVar:

NM_002185.5(IL7R):c.1188T>C (p.Asn396=)

Gene: IL7R (interleukin 7 receptor; plus strand). Cytogenetic location: 5p13.2.
Variant type: single nucleotide variant.
Coding change: c.1188T>C on transcript NM_002185.5 (MANE Select); coding-DNA position 1188, T replaced by C.
Protein change: p.Asn396=; no amino-acid change (asparagine 396 retained).
Molecular consequence: synonymous variant. On other transcripts: non-coding transcript variant (1).
Genome position (GRCh38, 1-based): chr5:35,876,294, T>C. VCF-style: chr5-35876294-T-C. GRCh37 (hg19) VCF-style: chr5-35876396-T-C.
Identifiers: ClinVar variation 767070 (VCV000767070.15), dbSNP rs145705481, ClinGen allele CA3232218.

ClinVar aggregate classification (germline): Benign/Likely benign. Review status: criteria provided, multiple submitters, no conflicts (2 of 4 stars). 4 submissions from 4 submitters: Benign (1); Likely benign (2). 1 of the submissions does not count toward it. Last evaluated 2026-01-23.

Conditions:
IL7R-related disorder. Also called: IL7R-related condition.
Immunodeficiency 104. Also called: Severe combined immunodeficiency, autosomal recessive, T cell-negative, B cell-positive, NK cell-positive; IMMUNODEFICIENCY 104, SEVERE COMBINED; SCID, AUTOSOMAL RECESSIVE, T CELL-NEGATIVE, B CELL-POSITIVE, NK CELL-POSITIVE; Severe Combined Immune Deficiency, Autosomal Recessive, TCell -Negative, B Cell-Positive, NK Cell-Positive, IL7R-Related. Identifiers: MedGen C5676890, MONDO:0012163, OMIM 608971.

Allele frequency attached by ClinVar (database versions not stated): gnomAD exomes 0.00008 and 0.00019; ExAC 0.00022; 1000 Genomes Project 0.00040; 1000 Genomes Project 30x 0.00047; ESP Exome Variant Server 0.00069; gnomAD 0.00085 and 0.00088; TOPMed 0.00087.

Submissions (4):

Labcorp Genetics (formerly Invitae), Labcorp
Classification: Benign for Immunodeficiency 104. Last evaluated: 2026-01-23. Review status: criteria provided, single submitter. Criteria: Invitae Variant Classification Sherloc (09022015). Collection method: clinical testing. Allele origin: germline.

Women's Health and Genetics/Laboratory Corporation of America, LabCorp
Classification: Likely benign. Last evaluated: 2026-01-23. Review status: criteria provided, single submitter. Criteria: LabCorp Variant Classification Summary - May 2015. Collection method: clinical testing. Allele origin: germline.

Blueprint Genetics
Classification: Likely benign. Last evaluated: 2024-10-09. Review status: criteria provided, single submitter. Criteria: ACMG Guidelines, 2015. Collection method: clinical testing. Allele origin: germline.

PreventionGenetics, part of Exact Sciences
Classification: Likely benign for IL7R-related condition. Last evaluated: 2020-01-02. Review status: no assertion criteria provided. Collection method: clinical testing. Allele origin: germline. Not counted in ClinVar's aggregate classification.
Comment: This variant is classified as likely benign based on ACMG/AMP sequence variant interpretation guidelines (Richards et al. 2015 PMID: 25741868, with internal and published modifications).